The following is an entry in ClinVar:

NM_001374828.1(ARID1B):c.4793A>T (p.Tyr1598Phe)

Gene: ARID1B (AT-rich interaction domain 1B; plus strand). Cytogenetic location: 6q25.3.
Variant type: single nucleotide variant.
Coding change: c.4793A>T on transcript NM_001374828.1 (MANE Select); coding-DNA position 4793, A replaced by T.
Protein change: p.Tyr1598Phe; replaces tyrosine 1598 with phenylalanine.
Molecular consequence: missense variant.
Genome position (GRCh38, 1-based): chr6:157,201,018, A>T. VCF-style: chr6-157201018-A-T. GRCh37 (hg19) VCF-style: chr6-157522152-A-T.
Other names: c.4424A>T (NM_020732.3); c.2294A>T, p.Tyr765Phe (NM_001363725.2); c.4673A>T, p.Tyr1558Phe (NM_001371656.1, NM_001374820.1); c.4634A>T, p.Tyr1545Phe (NM_017519.3); short protein forms Y1545F, Y1558F, Y1598F, Y765F.
Identifiers: ClinVar variation 3897356 (VCV003897356.2).

ClinVar aggregate classification (germline): Uncertain significance (1 of 4 stars; one submission).

Submission:

GeneDx
Classification: Uncertain significance. Last evaluated: 2025-10-08. Review status: criteria provided, single submitter. Criteria: GeneDx Variant Classification Process June 2021. Collection method: clinical testing. Allele origin: germline.
Comment: Not observed at significant frequency in large population cohorts (gnomAD); In silico analysis supports that this missense variant has a deleterious effect on protein structure/function; Has not been previously published as pathogenic or benign to our knowledge